The following is an entry in ClinVar:

GRCh37/hg19 1q32.1(chr1:204907784-205027918)x3

Genes: CNTN2 (contactin 2; plus strand), NFASC (neurofascin; plus strand). Cytogenetic location: 1q32.1.
Variant type: copy number gain.
Change: copy number 3 (three copies instead of two) of chr1:204,907,784-205,027,918 (120.1 kb, GRCh37 coordinates, 1-based), cytogenetic band 1q32.1.
Identifiers: ClinVar variation 394151 (VCV000394151.4).

ClinVar aggregate classification (germline): conflicting data from submitters (0 of 4 stars; one submission).

Submission:

ISCA Site 6
Classification: conflicting data from submitters. Review status: no assertion criteria provided. Collection method: clinical testing. Allele origin: unknown. Affected: yes. Observed: 2 variant alleles.
Comment: Uncertain significance(1), Likely benign (1)

Copy number variation identified through the course of routine clinical cytogenomic testing in postnatal populations, with clinical assertions as classified by the original submitter. For data from the original published study, Kaminsky, et al. 2011 (PubMed 21844811), please see nstd101.